The following is an entry in ClinVar:

ClinVar aggregate classification (germline): Pathogenic/Likely pathogenic. Review status: criteria provided, multiple submitters, no conflicts (2 of 4 stars). 2 submissions from 2 submitters: Pathogenic (1); Likely pathogenic (1). Last evaluated 2026-01-30.

Conditions:
8q24.3 microdeletion syndrome. Also called: CHROMOSOME 8q24.3 DELETION SYNDROME; Verheij syndrome. Identifiers: Orphanet 508488, MedGen C3810023, MONDO:0014263, OMIM 615583.

Allele frequency attached by ClinVar (database versions not stated): gnomAD 0.00001.

Submissions (2):

Clinical Genetics Laboratory, Skane University Hospital Lund
Classification: Pathogenic for 8q24.3 microdeletion syndrome. Last evaluated: 2026-01-30. Review status: criteria provided, single submitter. Criteria: ACMG Guidelines, 2015. Collection method: clinical testing. Allele origin: de novo. Inheritance: Autosomal dominant inheritance. Affected: yes.
Comment: PUF60 (NM_078480.3) c.475G>A, p.(Asp159Asn) is a heterozygous nucleotide substitution in exon 6 of 12, leading to a replacement of a highly conserved amino acid. The variant has not been detected in the normal population (gnomAD v4.1.0) and has previously been reported as likely pathogenic in ClinVar (Variation ID: 425569, accession: SCV000575894.3, de novo). In the literature, the variant was originally published by Low et al., 2017, PUF60 variants cause a syndrome of ID, short stature, microcephaly, coloboma, craniofacial, cardiac, renal and spinal features (PMID: 28327570). The variant is also published in several other articles as de novo (PMID: 28135719, 33057194, 37644014) and is located in the "RNA recognition motif" (RRM1) within which missense variants have been reported in patients with symptoms similar to those of the current patient (see, for example, PMID: 28327570, 29788428). The variant has been classified as pathogenic using the following ACMG criteria: PS2_Very Strong, PM1, and PM2.

Bristol Genetics Laboratory, North Bristol NHS Trust
Classification: Likely pathogenic. Last evaluated: 2017-01-19. Review status: criteria provided, single submitter. Criteria: ACGS Guidelines, 2013. Collection method: research. Allele origin: de novo. Affected: yes. Observed: 1 heterozygote.

Literature cited by the submitters: PubMed 28327570 (cited by Bristol Genetics Laboratory, North Bristol NHS Trust).

NM_078480.3(PUF60):c.475G>A (p.Asp159Asn)

Gene: PUF60 (poly(U) binding splicing factor 60; minus strand). Cytogenetic location: 8q24.3.
Variant type: single nucleotide variant.
Coding change: c.475G>A on transcript NM_078480.3 (MANE Select); coding-DNA position 475, G replaced by A.
Protein change: p.Asp159Asn; replaces aspartic acid 159 with asparagine.
Molecular consequence: missense variant.
Genome position (GRCh38, 1-based): chr8:143,818,408, C>T on the plus strand (G>A on the coding strand, the complement: PUF60 is on the minus strand). VCF-style: chr8-143818408-C-T. GRCh37 (hg19) VCF-style: chr8-144900578-C-T.
Other names: c.346G>A, p.Asp116Asn (NM_001136033.3); c.421G>A, p.Asp141Asn (NM_001271096.2); c.337G>A, p.Asp113Asn (NM_001271097.2); c.472G>A, p.Asp158Asn (NM_001271098.2); c.388G>A, p.Asp130Asn (NM_001271099.2); c.295G>A, p.Asp99Asn (NM_001271100.2); c.586G>A, p.Asp196Asn (NM_001362895.2, NM_001362896.2); c.535G>A, p.Asp179Asn (NM_001362897.2); and 1 more; short protein forms D159N, D113N, D141N, D99N, D116N, D130N, D142N, D158N.
Identifiers: ClinVar variation 425569 (VCV000425569.4), dbSNP rs1085307137, ClinGen allele CA372493078.